The following is an entry in ClinVar:

ClinVar aggregate classification (germline): Uncertain significance (1 of 4 stars; one submission).

Allele frequency attached by ClinVar (database versions not stated): gnomAD 0.00001; gnomAD exomes 0.00003; TOPMed 0.00003.

Submission:

GeneDx
Classification: Uncertain significance. Last evaluated: 2024-05-05. Review status: criteria provided, single submitter. Criteria: GeneDx Variant Classification Process June 2021. Collection method: clinical testing. Allele origin: germline. Affected: yes.
Comment: In silico analysis supports that this missense variant has a deleterious effect on protein structure/function; Not observed at significant frequency in large population cohorts (gnomAD); This variant is associated with the following publications: (PMID: 31249928, 21534937)

NM_000552.5(VWF):c.5509C>T (p.Arg1837Trp)

Gene: VWF (von Willebrand factor; minus strand). Cytogenetic location: 12p13.31.
Variant type: single nucleotide variant.
Coding change: c.5509C>T on transcript NM_000552.5 (MANE Select); coding-DNA position 5509, C replaced by T.
Protein change: p.Arg1837Trp; replaces arginine 1837 with tryptophan.
Molecular consequence: missense variant.
Genome position (GRCh38, 1-based): chr12:6,013,592, G>A on the plus strand (C>T on the coding strand, the complement: VWF is on the minus strand). VCF-style: chr12-6013592-G-A. GRCh37 (hg19) VCF-style: chr12-6122758-G-A.
Other names: short protein forms R1837W.
Identifiers: ClinVar variation 2581864 (VCV002581864.2), dbSNP rs1250634491, ClinGen allele CA383493806.